The following is an entry in ClinVar:

NM_005751.5(AKAP9):c.6507+259G>A

Gene: AKAP9 (A-kinase anchoring protein 9; plus strand). Cytogenetic location: 7q21.2.
Variant type: single nucleotide variant.
Coding change: c.6507+259G>A on transcript NM_005751.5 (MANE Select); 259 bases into the intron after coding-DNA position 6507, G replaced by A.
Molecular consequence: intron variant.
Genome position (GRCh38, 1-based): chr7:92,070,465, G>A. VCF-style: chr7-92070465-G-A. GRCh37 (hg19) VCF-style: chr7-91699779-G-A.
Other names: c.6483+283G>A (NM_147185.3); c.1152+259G>A (NM_001379277.1).
Identifiers: ClinVar variation 682752 (VCV000682752.1), dbSNP rs10248102, ClinGen allele CA12568560.

ClinVar aggregate classification (germline): Benign (1 of 4 stars; one submission).

Allele frequency attached by ClinVar (database versions not stated): 1000 Genomes Project 0.35982; 1000 Genomes Project 30x 0.36274; TOPMed 0.40168; gnomAD 0.40220 and 0.40535.
gnomAD v4.1: 60,691 of 151,240 alleles (40%); highest among the groups gnomAD compares: African/African-American, 46%; 12,458 homozygotes.

Submission:

GeneDx
Classification: Benign. Last evaluated: 2018-06-14. Review status: criteria provided, single submitter. Criteria: GeneDx Variant Classification (06012015). Collection method: clinical testing. Allele origin: germline. Affected: yes.
Comment: This variant is considered likely benign or benign based on one or more of the following criteria: it is a conservative change, it occurs at a poorly conserved position in the protein, it is predicted to be benign by multiple in silico algorithms, and/or has population frequency not consistent with disease.